The following is an entry in ClinVar:

ClinVar aggregate classification (germline): Uncertain significance (1 of 4 stars; one submission).

Allele frequency attached by ClinVar (database versions not stated): TOPMed 0.00002.
gnomAD v4.1: 9 of 1,610,716 alleles (0.00056%); highest among the groups gnomAD compares: African/African-American, 0.0067%; no homozygotes.

Submission:

Labcorp Genetics (formerly Invitae), Labcorp
Classification: Uncertain significance. Last evaluated: 2025-11-03. Review status: criteria provided, single submitter. Criteria: Invitae Variant Classification Sherloc (09022015). Collection method: clinical testing. Allele origin: germline.
Comment: This sequence change affects codon 323 of the HPS3 mRNA. It is a 'silent' change, meaning that it does not change the encoded amino acid sequence of the HPS3 protein. It affects a nucleotide within the consensus splice site. This variant is present in population databases (no rsID available, gnomAD 0.008%). This variant has not been reported in the literature in individuals affected with HPS3-related conditions. ClinVar contains an entry for this variant (Variation ID: 2066636). Algorithms developed to predict the effect of sequence changes on RNA splicing suggest that this variant is not likely to affect RNA splicing. In summary, the available evidence is currently insufficient to determine the role of this variant in disease. Therefore, it has been classified as a Variant of Uncertain Significance.

NM_032383.5(HPS3):c.969C>G (p.Thr323=)

Gene: HPS3 (HPS3 biogenesis of lysosomal organelles complex 2 subunit 1; plus strand). Cytogenetic location: 3q24.
Variant type: single nucleotide variant.
Coding change: c.969C>G on transcript NM_032383.5 (MANE Select); coding-DNA position 969, C replaced by G.
Protein change: p.Thr323=; no amino-acid change (threonine 323 retained).
Molecular consequence: synonymous variant.
Genome position (GRCh38, 1-based): chr3:149,141,379, C>G. VCF-style: chr3-149141379-C-G. GRCh37 (hg19) VCF-style: chr3-148859166-C-G.
Other names: c.474C>G, p.Thr158= (NM_001308258.2).
Identifiers: ClinVar variation 2066636 (VCV002066636.4), dbSNP rs199556788, ClinGen allele CA85494442.